The following is an entry in ClinVar:

ClinVar aggregate classification (germline): Uncertain significance (1 of 4 stars; one submission).

Conditions:
Jeune thoracic dystrophy. Also called: Jeune syndrome; Infantile thoracic dystrophy; Thoracic pelvic phalangeal dystrophy; Jeune's syndrome; Chondroectodermal dysplasia-like syndrome; Short-rib thoracic dysplasia. Identifiers: Orphanet 474, MedGen C0265275, MONDO:0018770.

Allele frequency attached by ClinVar (database versions not stated): gnomAD exomes below 0.00001; gnomAD 0.00001; 1000 Genomes Project 30x 0.00016; 1000 Genomes Project 0.00020.
gnomAD v4.1: 3 of 1,585,032 alleles (0.00019%); highest among the groups gnomAD compares: East Asian, 0.0045%; no homozygotes.

Submission:

Labcorp Genetics (formerly Invitae), Labcorp
Classification: Uncertain significance for Jeune thoracic dystrophy. Last evaluated: 2022-10-13. Review status: criteria provided, single submitter. Criteria: Invitae Variant Classification Sherloc (09022015). Collection method: clinical testing. Allele origin: germline.
Comment: In summary, the available evidence is currently insufficient to determine the role of this variant in disease. Therefore, it has been classified as a Variant of Uncertain Significance. Advanced modeling of protein sequence and biophysical properties (such as structural, functional, and spatial information, amino acid conservation, physicochemical variation, residue mobility, and thermodynamic stability) performed at Invitae indicates that this missense variant is not expected to disrupt IFT80 protein function. This variant has not been reported in the literature in individuals affected with IFT80-related conditions. This variant is not present in population databases (gnomAD no frequency). This sequence change replaces isoleucine, which is neutral and non-polar, with valine, which is neutral and non-polar, at codon 503 of the IFT80 protein (p.Ile503Val).

NM_020800.3(IFT80):c.1507A>G (p.Ile503Val)

Genes: TRIM59-IFT80 (TRIM59-IFT80 readthrough (NMD candidate); minus strand), IFT80 (intraflagellar transport 80; minus strand). Cytogenetic location: 3q25.33.
Variant type: single nucleotide variant.
Coding change: c.1507A>G on transcript NM_020800.3 (MANE Select); coding-DNA position 1507, A replaced by G.
Protein change: p.Ile503Val; replaces isoleucine 503 with valine.
Molecular consequence: missense variant. On other transcripts: non-coding transcript variant (3).
Genome position (GRCh38, 1-based): chr3:160,282,487, T>C on the plus strand (A>G on the coding strand, the complement: IFT80 is on the minus strand). VCF-style: chr3-160282487-T-C. GRCh37 (hg19) VCF-style: chr3-160000275-T-C.
Other names: c.1096A>G, p.Ile366Val (NM_001190241.2, NM_001190242.2); short protein forms I503V, I366V.
Identifiers: ClinVar variation 2199283 (VCV002199283.4), dbSNP rs199919988, ClinGen allele CA86551733.